The following is an entry in ClinVar:

ClinVar aggregate classification (germline): Uncertain significance. Review status: criteria provided, multiple submitters, no conflicts (2 of 4 stars). 2 submissions from 2 submitters: Uncertain significance (2). Last evaluated 2025-01-09.

gnomAD v4.1: 5 of 1,614,078 alleles (0.00031%); highest among the groups gnomAD compares: African/African-American, 0.0013%; no homozygotes.

Submissions (2):

Labcorp Genetics (formerly Invitae), Labcorp
Classification: Uncertain significance. Last evaluated: 2025-01-09. Review status: criteria provided, single submitter. Criteria: Invitae Variant Classification Sherloc (09022015). Collection method: clinical testing. Allele origin: germline.
Comment: This sequence change replaces aspartic acid, which is acidic and polar, with asparagine, which is neutral and polar, at codon 381 of the LRP5 protein (p.Asp381Asn). This variant is present in population databases (no rsID available, gnomAD 0.01%). This missense change has been observed in individual(s) with autosomal dominant osteoporosis with retinopathy (PMID: 27228167). ClinVar contains an entry for this variant (Variation ID: 2137178). Invitae Evidence Modeling of protein sequence and biophysical properties (such as structural, functional, and spatial information, amino acid conservation, physicochemical variation, residue mobility, and thermodynamic stability) has been performed for this missense variant. However, the output from this modeling did not meet the statistical confidence thresholds required to predict the impact of this variant on LRP5 protein function. Experimental studies are conflicting or provide insufficient evidence to determine the effect of this variant on LRP5 function (PMID: 27228167). In summary, the available evidence is currently insufficient to determine the role of this variant in disease. Therefore, it has been classified as a Variant of Uncertain Significance.

GeneDx
Classification: Uncertain significance. Last evaluated: 2024-07-31. Review status: criteria provided, single submitter. Criteria: GeneDx Variant Classification Process June 2021. Collection method: clinical testing. Allele origin: germline. Affected: yes.
Comment: Not observed at significant frequency in large population cohorts (gnomAD); In silico analysis supports that this missense variant has a deleterious effect on protein structure/function; This variant is associated with the following publications: (PMID: 27228167, 31827910)

Literature cited by the submitters: PubMed 27228167 (cited by Labcorp Genetics (formerly Invitae), Labcorp).

NM_002335.4(LRP5):c.1141G>A (p.Asp381Asn)

Gene: LRP5 (LDL receptor related protein 5; plus strand). Cytogenetic location: 11q13.2.
Variant type: single nucleotide variant.
Coding change: c.1141G>A on transcript NM_002335.4 (MANE Select); coding-DNA position 1141, G replaced by A.
Protein change: p.Asp381Asn; replaces aspartic acid 381 with asparagine.
Molecular consequence: missense variant. On other transcripts: 5 prime UTR variant (1).
Genome position (GRCh38, 1-based): chr11:68,386,441, G>A. VCF-style: chr11-68386441-G-A. GRCh37 (hg19) VCF-style: chr11-68153909-G-A.
Other names: c.-625G>A (NM_001291902.2); c.1141G>A (NM_002335.2); short protein forms D381N.
Identifiers: ClinVar variation 2137178 (VCV002137178.5), dbSNP rs1332274863, ClinGen allele CA381612318.
Genomic context (GRCh38, chr11:68,386,441, plus strand): 5'-GACTTCACCGACATCGTGCTGCAGGTGGACGACATCCGGCACGCCATTGCCATCGACTAC[G>A]ACCCGCTAGAGGGCTATGTCTACTGGACAGATGACGAGGTGCGGGCCATCCGCAGGGCGT-3'
Protein context (NP_002326.2, residues 371-391): DIRHAIAIDY[Asp381Asn]PLEGYVYWTD